The following is an entry in ClinVar:

NM_007194.4(CHEK2):c.592+94G>A

Gene: CHEK2 (checkpoint kinase 2; minus strand). Cytogenetic location: 22q12.1.
Variant type: single nucleotide variant.
Coding change: c.592+94G>A on transcript NM_007194.4 (MANE Select); 94 bases into the intron after coding-DNA position 592, G replaced by A.
Molecular consequence: intron variant.
Genome position (GRCh38, 1-based): chr22:28,724,883, C>T on the plus strand (G>A on the coding strand, the complement: CHEK2 is on the minus strand). VCF-style: chr22-28724883-C-T. GRCh37 (hg19) VCF-style: chr22-29120871-C-T.
Other names: c.-72+94G>A (NM_001437942.1); c.482+3G>A (NM_001349956.3); c.592+94G>A (NM_145862.3); c.-186+94G>A (NM_001257387.3); c.685+94G>A (NM_001438295.1, NM_001438293.1); c.721+94G>A (NM_001438294.1, NM_001005735.3).
Identifiers: ClinVar variation 3052797 (VCV003052797.2), dbSNP rs2146053660, ClinGen allele CA2738002898.

ClinVar aggregate classification (germline): Likely benign (0 of 4 stars; one submission).

Conditions:
CHEK2-related disorder.

Submission:

PreventionGenetics, part of Exact Sciences
Classification: Likely benign for CHEK2-related condition. Last evaluated: 2023-10-26. Review status: no assertion criteria provided. Collection method: clinical testing. Allele origin: germline.
Comment: This variant is classified as likely benign based on ACMG/AMP sequence variant interpretation guidelines (Richards et al. 2015 PMID: 25741868, with internal and published modifications).